The following is an entry in ClinVar:

NM_003055.3(SLC18A3):c.1093G>C (p.Ala365Pro)

Genes: CHAT (choline O-acetyltransferase; plus strand), SLC18A3 (solute carrier family 18 member A3; plus strand). Cytogenetic location: 10q11.23.
Variant type: single nucleotide variant.
Coding change: c.1093G>C on transcript NM_003055.3 (MANE Select); coding-DNA position 1093, G replaced by C.
Protein change: p.Ala365Pro; replaces alanine 365 with proline.
Molecular consequence: missense variant. On other transcripts: intron variant (1).
Genome position (GRCh38, 1-based): chr10:49,611,833, G>C. VCF-style: chr10-49611833-G-C. GRCh37 (hg19) VCF-style: chr10-50819879-G-C.
Other names: c.-69+2634G>C (NM_020984.4); short protein forms A365P.
Identifiers: ClinVar variation 1029501 (VCV001029501.3), dbSNP rs1434365893, ClinGen allele CA376722030.

ClinVar aggregate classification (germline): Uncertain significance (1 of 4 stars; one submission).

Conditions:
Congenital myasthenic syndrome 21. Also called: Myasthenic syndrome, congenital, 21, presynaptic. Identifiers: MedGen C4310654, MONDO:0014983, OMIM 617239.

Submission:

Baylor Genetics
Classification: Uncertain significance for Congenital myasthenic syndrome 21. Last evaluated: 2019-07-23. Review status: criteria provided, single submitter. Criteria: ACMG Guidelines, 2015. Collection method: clinical testing. Allele origin: unknown. Affected: yes.
Comment: This variant was determined to be of uncertain significance according to ACMG Guidelines, 2015 [PMID:25741868].